The following is an entry in ClinVar:

ClinVar aggregate classification (germline): Uncertain significance. Review status: criteria provided, multiple submitters, no conflicts (2 of 4 stars). 2 submissions from 2 submitters: Uncertain significance (2). Last evaluated 2024-10-24.

Conditions:
Inborn genetic diseases. Identifiers: MedGen C0950123, MeSH D030342.

Allele frequency attached by ClinVar (database versions not stated): gnomAD 0.00001; TOPMed 0.00003.
gnomAD v4.1: 74 of 1,613,890 alleles (0.0046%); highest among the groups gnomAD compares: Non-Finnish European, 0.0058%; no homozygotes.

Submissions (2):

Labcorp Genetics (formerly Invitae), Labcorp
Classification: Uncertain significance. Last evaluated: 2024-10-24. Review status: criteria provided, single submitter. Criteria: Invitae Variant Classification Sherloc (09022015). Collection method: clinical testing. Allele origin: germline.
Comment: This sequence change replaces proline, which is neutral and non-polar, with threonine, which is neutral and polar, at codon 974 of the VCAN protein (p.Pro974Thr). This variant is present in population databases (rs780733069, gnomAD 0.005%). This variant has not been reported in the literature in individuals affected with VCAN-related conditions. ClinVar contains an entry for this variant (Variation ID: 1990804). An algorithm developed to predict the effect of missense changes on protein structure and function (PolyPhen-2) suggests that this variant is likely to be disruptive. In summary, the available evidence is currently insufficient to determine the role of this variant in disease. Therefore, it has been classified as a Variant of Uncertain Significance.

Ambry Genetics
Classification: Uncertain significance for Inborn genetic diseases. Last evaluated: 2024-03-08. Review status: criteria provided, single submitter. Criteria: Ambry Variant Classification Scheme 2023. Collection method: clinical testing. Allele origin: germline.

NM_004385.5(VCAN):c.2920C>A (p.Pro974Thr)

Gene: VCAN (versican; plus strand). Cytogenetic location: 5q14.3.
Variant type: single nucleotide variant.
Coding change: c.2920C>A on transcript NM_004385.5 (MANE Select); coding-DNA position 2920, C replaced by A.
Protein change: p.Pro974Thr; replaces proline 974 with threonine.
Molecular consequence: missense variant. On other transcripts: intron variant (2).
Genome position (GRCh38, 1-based): chr5:83,521,226, C>A. VCF-style: chr5-83521226-C-A. GRCh37 (hg19) VCF-style: chr5-82817045-C-A.
Other names: c.2920C>A (NM_004385.4); c.2920C>A, p.Pro974Thr (NM_001164098.2); c.1042+8830C>A (NM_001164097.2, NM_001126336.3); short protein forms P974T.
Identifiers: ClinVar variation 1990804 (VCV001990804.5), dbSNP rs780733069, ClinGen allele CA3332925.